The following is an entry in ClinVar:

ClinVar aggregate classification (germline): Pathogenic/Likely pathogenic. Review status: criteria provided, multiple submitters, no conflicts (2 of 4 stars). 2 submissions from 2 submitters: Pathogenic (1); Likely pathogenic (1). Last evaluated 2025-11-07.

Allele frequency attached by ClinVar (database versions not stated): ExAC 0.00001; gnomAD exomes 0.00001; TOPMed 0.00002.
gnomAD v4.1: 9 of 1,602,592 alleles (0.00056%); highest among the groups gnomAD compares: Non-Finnish European, 0.00068%; no homozygotes.

Submissions (2):

Labcorp Genetics (formerly Invitae), Labcorp
Classification: Pathogenic. Last evaluated: 2025-11-07. Review status: criteria provided, single submitter. Criteria: Invitae Variant Classification Sherloc (09022015). Collection method: clinical testing. Allele origin: germline.
Comment: This sequence change creates a premature translational stop signal (p.Arg59*) in the RARS gene. It is expected to result in an absent or disrupted protein product. Loss-of-function variants in RARS are known to be pathogenic (PMID: 24777941). This variant is present in population databases (rs749027104, gnomAD 0.0009%). This variant has not been reported in the literature in individuals affected with RARS-related conditions. ClinVar contains an entry for this variant (Variation ID: 1331606). For these reasons, this variant has been classified as Pathogenic.

Greenwood Genetic Center Diagnostic Laboratories, Greenwood Genetic Center
Classification: Likely pathogenic. Last evaluated: 2021-03-10. Review status: criteria provided, single submitter. Criteria: ACMG Guidelines, 2015. Collection method: clinical testing. Allele origin: germline. Affected: yes.
Comment: PVS1, PM2

Literature cited by the submitters: PubMed 24777941 (cited by Labcorp Genetics (formerly Invitae), Labcorp).

NM_002887.4(RARS1):c.175C>T (p.Arg59Ter)

Gene: RARS1 (arginyl-tRNA synthetase 1; plus strand). Cytogenetic location: 5q34.
Variant type: single nucleotide variant.
Coding change: c.175C>T on transcript NM_002887.4 (MANE Select); coding-DNA position 175, C replaced by T.
Protein change: p.Arg59Ter; replaces arginine 59 with a stop codon.
Molecular consequence: nonsense.
Genome position (GRCh38, 1-based): chr5:168,488,731, C>T. VCF-style: chr5-168488731-C-T. GRCh37 (hg19) VCF-style: chr5-167915736-C-T.
Other names: short protein forms R59*.
Identifiers: ClinVar variation 1331606 (VCV001331606.5), dbSNP rs749027104, ClinGen allele CA3549532.